The following is an entry in ClinVar:

ClinVar aggregate classification (germline): Uncertain significance (1 of 4 stars; one submission).

Submission:

GeneDx
Classification: Uncertain significance. Last evaluated: 2025-08-15. Review status: criteria provided, single submitter. Criteria: GeneDx Variant Classification Process June 2021. Collection method: clinical testing. Allele origin: germline. Affected: yes.
Comment: Not observed at significant frequency in large population cohorts (gnomAD); In silico analysis supports that this missense variant has a deleterious effect on protein structure/function; Has not been previously published as pathogenic or benign to our knowledge

NM_001372066.1(TFAP2A):c.893A>G (p.Glu298Gly)

Gene: TFAP2A (transcription factor AP-2 alpha; minus strand). Cytogenetic location: 6p24.3.
Variant type: single nucleotide variant.
Coding change: c.893A>G on transcript NM_001372066.1 (MANE Select); coding-DNA position 893, A replaced by G.
Protein change: p.Glu298Gly; replaces glutamic acid 298 with glycine.
Molecular consequence: missense variant.
Genome position (GRCh38, 1-based): chr6:10,400,586, T>C on the plus strand (A>G on the coding strand, the complement: TFAP2A is on the minus strand). VCF-style: chr6-10400586-T-C. GRCh37 (hg19) VCF-style: chr6-10400819-T-C.
Other names: c.869A>G, p.Glu290Gly (NM_001032280.3); c.875A>G, p.Glu292Gly (NM_001042425.3); short protein forms E292G, E298G, E290G.
Identifiers: ClinVar variation 4795325 (VCV004795325.1).